The following is an entry in ClinVar:

ClinVar aggregate classification (germline): Uncertain significance. Review status: criteria provided, multiple submitters, no conflicts (2 of 4 stars). 2 submissions from 2 submitters: Uncertain significance (2). Last evaluated 2023-08-15.

Conditions:
Arrhythmogenic cardiomyopathy with wooly hair and keratoderma. Also called: PALMOPLANTAR KERATODERMA WITH LEFT VENTRICULAR CARDIOMYOPATHY AND WOOLLY HAIR; Carvajal syndrome; Arrhythmogenic cardiomyopathy with woolly hair and keratoderma; Dilated cardiomyopathy with woolly hair and keratoderma. Identifiers: Orphanet 65282, MedGen C1854063, MONDO:0011581, OMIM 605676.
Arrhythmogenic right ventricular dysplasia 8 (ARVD8). Also called: Arrhythmogenic Right Ventricular Dysplasia/Cardiomyopathy 8; ARRHYTHMOGENIC RIGHT VENTRICULAR DYSPLASIA, FAMILIAL, 8; ARRHYTHMOGENIC RIGHT VENTRICULAR CARDIOMYOPATHY 8. Identifiers: MedGen C1843896, MONDO:0011831, OMIM 607450.

Submissions (2):

All of Us Research Program, National Institutes of Health
Classification: Uncertain significance for Arrhythmogenic cardiomyopathy with wooly hair and keratoderma. Last evaluated: 2023-08-15. Review status: criteria provided, single submitter. Criteria: ACMG Guidelines, 2015. Collection method: clinical testing. Allele origin: germline. Inheritance: Autosomal dominant inheritance. Observed: 1 variant allele, 1 heterozygote.
Comment: This missense variant replaces asparagine with serine at codon 1324 of the DSP protein. Computational prediction suggests that this variant may not impact protein structure and function (internally defined REVEL score threshold <= 0.5, PMID: 27666373). To our knowledge, functional studies have not been reported for this variant. This variant has not been reported in individuals affected with DSP-related disorders in the literature. This variant has not been identified in the general population by the Genome Aggregation Database (gnomAD). The available evidence is insufficient to determine the role of this variant in disease conclusively. Therefore, this variant is classified as a Variant of Uncertain Significance.

This study involves interpretation of variants in research participants for the purpose of population health screening. Participant phenotype was not available at the time of variant classification. Additional details can be found in publication PMID: 35346344, PMCID: PMC8962531

Labcorp Genetics (formerly Invitae), Labcorp
Classification: Uncertain significance for Arrhythmogenic cardiomyopathy with wooly hair and keratoderma; Arrhythmogenic right ventricular dysplasia 8. Last evaluated: 2023-05-22. Review status: criteria provided, single submitter. Criteria: Invitae Variant Classification Sherloc (09022015). Collection method: clinical testing. Allele origin: germline.
Comment: This variant is not present in population databases (gnomAD no frequency). This sequence change replaces asparagine, which is neutral and polar, with serine, which is neutral and polar, at codon 1324 of the DSP protein (p.Asn1324Ser). This variant has not been reported in the literature in individuals affected with DSP-related conditions. In summary, the available evidence is currently insufficient to determine the role of this variant in disease. Therefore, it has been classified as a Variant of Uncertain Significance. An algorithm developed to predict the effect of missense changes on protein structure and function (PolyPhen-2) suggests that this variant is likely to be tolerated.

NM_004415.4(DSP):c.3971A>G (p.Asn1324Ser)

Gene: DSP (desmoplakin; plus strand). Cytogenetic location: 6p24.3.
Variant type: single nucleotide variant.
Coding change: c.3971A>G on transcript NM_004415.4 (MANE Select); coding-DNA position 3971, A replaced by G.
Protein change: p.Asn1324Ser; replaces asparagine 1324 with serine.
Molecular consequence: missense variant. On other transcripts: intron variant (1).
Genome position (GRCh38, 1-based): chr6:7,580,161, A>G. VCF-style: chr6-7580161-A-G. GRCh37 (hg19) VCF-style: chr6-7580394-A-G.
Other names: c.3971A>G, p.Asn1324Ser (NM_001319034.2); c.3582+389A>G (NM_001008844.3); short protein forms N1324S.
Identifiers: ClinVar variation 2931584 (VCV002931584.4), dbSNP rs749820299, ClinGen allele CA362685257.